The following is an entry in ClinVar:

NM_000057.4(BLM):c.2200G>T (p.Ala734Ser)

Gene: BLM (BLM RecQ like helicase; plus strand). Cytogenetic location: 15q26.1.
Variant type: single nucleotide variant.
Coding change: c.2200G>T on transcript NM_000057.4 (MANE Select); coding-DNA position 2200, G replaced by T.
Protein change: p.Ala734Ser; replaces alanine 734 with serine.
Molecular consequence: missense variant.
Genome position (GRCh38, 1-based): chr15:90,766,916, G>T. VCF-style: chr15-90766916-G-T. GRCh37 (hg19) VCF-style: chr15-91310146-G-T.
Other names: c.2200G>T, p.Ala734Ser (NM_001287246.2, NM_001287247.2); c.1075G>T, p.Ala359Ser (NM_001287248.2); short protein forms A734S, A359S.
Identifiers: ClinVar variation 820876 (VCV000820876.13), dbSNP rs1301298294, ClinGen allele CA393844778.

ClinVar aggregate classification (germline): Uncertain significance. Review status: criteria provided, multiple submitters, no conflicts (2 of 4 stars). 3 submissions from 3 submitters: Uncertain significance (2). 1 of the submissions does not count toward it. Last evaluated 2025-01-12.

Conditions:
Hereditary cancer-predisposing syndrome. Also called: Neoplastic Syndromes, Hereditary; Tumor predisposition; Hereditary Cancer Syndrome; Hereditary neoplastic syndrome. Identifiers: Orphanet 140162, MedGen C0027672, MeSH D009386, MONDO:0015356.
Bloom syndrome (BLM). Also called: Bloom-Torre-Machacek syndrome. Identifiers: Orphanet 125, MedGen C0005859, MONDO:0008876, OMIM 210900.

Allele frequency attached by ClinVar (database versions not stated): gnomAD exomes below 0.00001 and 0.00002; TOPMed 0.00001.
gnomAD v4.1: 21 of 1,580,938 alleles (0.0013%); highest among the groups gnomAD compares: Non-Finnish European, 0.0018%; no homozygotes.

Submissions (3):

Labcorp Genetics (formerly Invitae), Labcorp
Classification: Uncertain significance for Bloom syndrome. Last evaluated: 2025-01-12. Review status: criteria provided, single submitter. Criteria: Invitae Variant Classification Sherloc (09022015). Collection method: clinical testing. Allele origin: germline.
Comment: This sequence change replaces alanine, which is neutral and non-polar, with serine, which is neutral and polar, at codon 734 of the BLM protein (p.Ala734Ser). This variant is present in population databases (no rsID available, gnomAD 0.0009%). This missense change has been observed in individual(s) with clinical features of BLM-related conditions (PMID: 33850299). ClinVar contains an entry for this variant (Variation ID: 820876). Invitae Evidence Modeling of protein sequence and biophysical properties (such as structural, functional, and spatial information, amino acid conservation, physicochemical variation, residue mobility, and thermodynamic stability) indicates that this missense variant is not expected to disrupt BLM protein function with a negative predictive value of 80%. RNA analysis performed to evaluate the impact of this missense change on mRNA splicing indicates it does not significantly alter splicing (internal data). In summary, the available evidence is currently insufficient to determine the role of this variant in disease. Therefore, it has been classified as a Variant of Uncertain Significance.

Ambry Genetics
Classification: Uncertain significance for Hereditary cancer-predisposing syndrome. Last evaluated: 2023-07-27. Review status: criteria provided, single submitter. Criteria: Ambry Variant Classification Scheme 2023. Collection method: clinical testing. Allele origin: germline.
Comment: The c.2200G>T variant (also known as p.A734S), located in coding exon 9 of the BLM gene, results from a G to T substitution at nucleotide position 2200. The alanine at codon 734 is replaced by serine, an amino acid with similar properties. This nucleotide position is highly conserved in available vertebrate species. In silico splice site analysis predicts that this alteration will result in the creation or strengthening of a novel splice acceptor site. RNA studies have demonstrated that this alteration does not result in abnormal splicing in the set of samples tested (Ambry internal data). Since supporting evidence is limited at this time, the clinical significance of this alteration remains unclear.

Natera, Inc.
Classification: Uncertain significance for Bloom syndrome. Last evaluated: 2020-09-16. Review status: no assertion criteria provided. Collection method: clinical testing. Allele origin: germline. Not counted in ClinVar's aggregate classification.

Literature cited by the submitters: PubMed 33850299 (cited by Labcorp Genetics (formerly Invitae), Labcorp).